The following is an entry in ClinVar:

NM_003482.4(KMT2D):c.10121A>C (p.Gln3374Pro)

Gene: KMT2D (lysine methyltransferase 2D; minus strand). Cytogenetic location: 12q13.12.
Variant type: single nucleotide variant.
Coding change: c.10121A>C on transcript NM_003482.4 (MANE Select); coding-DNA position 10121, A replaced by C.
Protein change: p.Gln3374Pro; replaces glutamine 3374 with proline.
Molecular consequence: missense variant.
Genome position (GRCh38, 1-based): chr12:49,037,235, T>G on the plus strand (A>C on the coding strand, the complement: KMT2D is on the minus strand). VCF-style: chr12-49037235-T-G. GRCh37 (hg19) VCF-style: chr12-49431018-T-G.
Other names: short protein forms Q3374P.
Identifiers: ClinVar variation 4997566 (VCV004997566.1).
Genomic context (GRCh38, chr12:49,037,235, plus strand): 5'-TGCGGCTTCATGCACATGGAAGGTGGCATGGTGCCCATGGGCTTCTGTGATAGCACTGGC[T>G]GTGAGCTCTGCTGGGGTACCAAGCCTGCCTGCCCTCCATGCTGCCCACTTAGCATATGCC-3'
Protein context (NP_003473.3, residues 3364-3384): QAGLVPQQSS[Gln3374Pro]PVLSQKPMGT

ClinVar aggregate classification (germline): Uncertain significance (1 of 4 stars; one submission).

Conditions:
KMT2D-related disorder. Also called: KMT2D-Related Disorders.

Submission:

PreventionGenetics, part of Exact Sciences
Classification: Uncertain significance for KMT2D-related condition. Last evaluated: 2025-04-18. Review status: criteria provided, single submitter. Criteria: ACMG Guidelines, 2015. Collection method: clinical testing. Allele origin: germline.
Comment: The KMT2D c.10121A>C variant is predicted to result in the amino acid substitution p.Gln3374Pro. To our knowledge, this variant has not been reported in the literature or in a large population database (gnomAD), indicating this variant is rare. At this time, the clinical significance of this variant is uncertain due to the absence of conclusive functional and genetic evidence.